The following is an entry in ClinVar:

ClinVar aggregate classification (germline): Uncertain significance. Review status: criteria provided, multiple submitters, no conflicts (2 of 4 stars). 2 submissions from 2 submitters: Uncertain significance (2). Last evaluated 2025-07-08.

Conditions:
Alagille syndrome due to a NOTCH2 point mutation. Also called: Alagille syndrome 2. Identifiers: Orphanet 261629, Orphanet 52, MedGen C1857761, MONDO:0012439, OMIM 610205.
Hajdu-Cheney syndrome (HJCYS). Also called: ACROOSTEOLYSIS WITH OSTEOPOROSIS AND CHANGES IN SKULL AND MANDIBLE; SERPENTINE FIBULA-POLYCYSTIC KIDNEY SYNDROME; Acroosteolysis dominant type. Identifiers: Orphanet 955, MedGen C0917715, MONDO:0007057, OMIM 102500.

Allele frequency attached by ClinVar (database versions not stated): gnomAD exomes below 0.00001.
gnomAD v4.1: 4 of 1,614,220 alleles (0.00025%); highest among the groups gnomAD compares: Admixed American, 0.0017%; no homozygotes.

Submissions (2):

Labcorp Genetics (formerly Invitae), Labcorp
Classification: Uncertain significance for Hajdu-Cheney syndrome. Last evaluated: 2025-07-08. Review status: criteria provided, single submitter. Criteria: Invitae Variant Classification Sherloc (09022015). Collection method: clinical testing. Allele origin: germline.
Comment: This sequence change replaces histidine, which is basic and polar, with glutamine, which is neutral and polar, at codon 2158 of the NOTCH2 protein (p.His2158Gln). This variant is not present in population databases (gnomAD no frequency). This variant has not been reported in the literature in individuals affected with NOTCH2-related conditions. ClinVar contains an entry for this variant (Variation ID: 2753465). Invitae Evidence Modeling of protein sequence and biophysical properties (such as structural, functional, and spatial information, amino acid conservation, physicochemical variation, residue mobility, and thermodynamic stability) indicates that this missense variant is not expected to disrupt NOTCH2 protein function with a negative predictive value of 80%. In summary, the available evidence is currently insufficient to determine the role of this variant in disease. Therefore, it has been classified as a Variant of Uncertain Significance.

Fulgent Genetics
Classification: Uncertain significance for Hajdu-Cheney syndrome; Alagille syndrome due to a NOTCH2 point mutation. Last evaluated: 2024-06-04. Review status: criteria provided, single submitter. Criteria: ACMG Guidelines, 2015. Collection method: clinical testing. Allele origin: germline.

NM_024408.4(NOTCH2):c.6474C>G (p.His2158Gln)

Gene: NOTCH2 (notch receptor 2; minus strand). Cytogenetic location: 1p12.
Variant type: single nucleotide variant.
Coding change: c.6474C>G on transcript NM_024408.4 (MANE Select); coding-DNA position 6474, C replaced by G.
Protein change: p.His2158Gln; replaces histidine 2158 with glutamine.
Molecular consequence: missense variant.
Genome position (GRCh38, 1-based): chr1:119,916,248, G>C on the plus strand (C>G on the coding strand, the complement: NOTCH2 is on the minus strand). VCF-style: chr1-119916248-G-C. GRCh37 (hg19) VCF-style: chr1-120458871-G-C.
Other names: short protein forms H2158Q.
Identifiers: ClinVar variation 2753465 (VCV002753465.4), dbSNP rs1649064512, ClinGen allele CA341877879.